The following is an entry in ClinVar:

NM_025114.4(CEP290):c.274_280del (p.Met92fs)

Gene: CEP290 (centrosomal protein 290; minus strand). Cytogenetic location: 12q21.32.
Variant type: Deletion.
Coding change: c.274_280del on transcript NM_025114.4 (MANE Select); coding-DNA positions 274 to 280, 7 bases deleted (ATGAAAC; older notation c.274_280delATGAAAC).
Protein change: p.Met92fs; shifts the reading frame from methionine 92.
Molecular consequence: frameshift variant.
Genome position (GRCh38, 1-based): chr12:88,139,162-88,139,168, GTTTCAT deleted on the plus strand (ATGAAAC on the coding strand, the reverse complement: CEP290 is on the minus strand). VCF-style (leftmost placement, unchanged base first): chr12-88139161-AGTTTCAT-A. GRCh37 (hg19) VCF-style: chr12-88532938-AGTTTCAT-A.
Other names: short protein forms M92fs.
Identifiers: ClinVar variation 1454004 (VCV001454004.7), dbSNP rs2138258171, ClinGen allele CA2573149041.
Genomic context (GRCh38, chr12:88,139,161, plus strand): 5'-AAAATTAATGACAATTACATCCTAGGGAATACAAAAAGACATACCTCCAGTTCATTTTCC[AGTTTCAT>A]TACTTTAGTTTTTAATTGATTTTCTATTTTTTTAAAAAAAAAGAAAAACGTTTTAATTGA-3'

ClinVar aggregate classification (germline): Pathogenic/Likely pathogenic. Review status: criteria provided, multiple submitters, no conflicts (2 of 4 stars). 2 submissions from 2 submitters: Pathogenic (1); Likely pathogenic (1). Last evaluated 2024-03-18.

Conditions:
Joubert syndrome 5 (JBTS5). Identifiers: Orphanet 2318, MedGen C1857780, MONDO:0012432, OMIM 610188.
Leber congenital amaurosis 10 (LCA10). Identifiers: Orphanet 65, MedGen C1857821, MONDO:0012723, OMIM 611755.
Senior-Loken syndrome 6 (SLSN6). Identifiers: Orphanet 3156, MedGen C1857779, MONDO:0012433, OMIM 610189.
Bardet-Biedl syndrome 14 (BBS14). Identifiers: Orphanet 110, MedGen C2673874, MONDO:0014442, OMIM 615991.
Meckel syndrome, type 4 (MKS4). Also called: MECKEL-GRUBER SYNDROME, TYPE 4. Identifiers: Orphanet 564, MedGen C1970161, MONDO:0012626, OMIM 611134.
Nephronophthisis. Also called: Juvenile Nephronophthisis. Identifiers: Orphanet 655, MedGen C0687120, MONDO:0019005, HP:0000090.
Meckel-Gruber syndrome. Also called: DYSENCEPHALIA SPLANCHNOCYSTICA; GRUBER SYNDROME; Dysencephalia splachnocystica. Identifiers: Orphanet 564, MedGen C0265215, MONDO:0018921.
Joubert syndrome. Also called: CEREBELLOPARENCHYMAL DISORDER IV; JOUBERT-BOLTSHAUSER SYNDROME; Familial aplasia of the vermis. Identifiers: Orphanet 475, MedGen C5979921, MONDO:0018772.

Submissions (2):

Fulgent Genetics
Classification: Likely pathogenic for Joubert syndrome 5; Senior-Loken syndrome 6; Meckel syndrome, type 4; Leber congenital amaurosis 10; Bardet-Biedl syndrome 14. Last evaluated: 2024-03-18. Review status: criteria provided, single submitter. Criteria: ACMG Guidelines, 2015. Collection method: clinical testing. Allele origin: germline.

Labcorp Genetics (formerly Invitae), Labcorp
Classification: Pathogenic for Joubert syndrome; Meckel-Gruber syndrome; Nephronophthisis. Last evaluated: 2023-10-16. Review status: criteria provided, single submitter. Criteria: Invitae Variant Classification Sherloc (09022015). Collection method: clinical testing. Allele origin: germline.
Comment: This sequence change creates a premature translational stop signal (p.Met92Trpfs*31) in the CEP290 gene. It is expected to result in an absent or disrupted protein product. Loss-of-function variants in CEP290 are known to be pathogenic (PMID: 16909394, 17345604, 20690115). This variant is not present in population databases (gnomAD no frequency). This variant has not been reported in the literature in individuals affected with CEP290-related conditions. ClinVar contains an entry for this variant (Variation ID: 1454004). For these reasons, this variant has been classified as Pathogenic.

Literature cited by the submitters: PubMed 16909394 (cited by Labcorp Genetics (formerly Invitae), Labcorp); PubMed 17345604 (cited by Labcorp Genetics (formerly Invitae), Labcorp); PubMed 20690115 (cited by Labcorp Genetics (formerly Invitae), Labcorp).